The following is an entry in ClinVar:

ClinVar aggregate classification (germline): Uncertain significance (1 of 4 stars; one submission).

Conditions:
Ataxia-telangiectasia syndrome (AT). Also called: Ataxia-telangiectasia, complementation group D; AT, COMPLEMENTATION GROUP C; ATAXIA-TELANGIECTASIA, COMPLEMENTATION GROUP A; ATAXIA-TELANGIECTASIA, FRESNO VARIANT; Ataxia-telangiectasia; Ataxia-telangiectasia, complementation group E. Identifiers: Orphanet 100, MedGen C0004135, MONDO:0008840, OMIM 208900.

Submission:

Labcorp Genetics (formerly Invitae), Labcorp
Classification: Uncertain significance for Ataxia-telangiectasia syndrome. Last evaluated: 2025-12-18. Review status: criteria provided, single submitter. Criteria: Invitae Variant Classification Sherloc (09022015). Collection method: clinical testing. Allele origin: germline.
Comment: This variant, c.6381_6383del, results in the deletion of 1 amino acid(s) of the ATM protein (p.Leu2128del), but otherwise preserves the integrity of the reading frame. This variant is not present in population databases (gnomAD no frequency). This variant has not been reported in the literature in individuals affected with ATM-related conditions. Experimental studies and prediction algorithms are not available or were not evaluated, and the functional significance of this variant is currently unknown. In summary, the available evidence is currently insufficient to determine the role of this variant in disease. Therefore, it has been classified as a Variant of Uncertain Significance.

NM_000051.4(ATM):c.6381_6383del (p.Leu2128del)

Genes: ATM (ATM serine/threonine kinase; plus strand), C11orf65 (chromosome 11 open reading frame 65; minus strand). Cytogenetic location: 11q22.3.
Variant type: Deletion.
Coding change: c.6381_6383del on transcript NM_000051.4 (MANE Select); coding-DNA positions 6381 to 6383, 3 bases deleted (ATT; older notation c.6381_6383delATT).
Protein change: p.Leu2128del; deletes leucine 2128.
Molecular consequence: inframe deletion. On other transcripts: intron variant (2).
Genome position (GRCh38, 1-based): chr11:108,319,987-108,319,989, ATT deleted. VCF-style (leftmost placement, unchanged base first): chr11-108319986-CATT-C. GRCh37 (hg19) VCF-style: chr11-108190713-CATT-C.
Other names: c.6381_6383del, p.Leu2128del (NM_001351834.2); c.641-10918_641-10916del (NM_001330368.2); c.*39-10918_*39-10916del (NM_001351110.2); short protein forms L2128del.
Identifiers: ClinVar variation 4733276 (VCV004733276.1).